The following is an entry in ClinVar:

ClinVar aggregate classification (germline): Uncertain significance (1 of 4 stars; one submission).

Conditions:
Multiple endocrine neoplasia type 4. Also called: MULTIPLE ENDOCRINE NEOPLASIA, TYPE IV. Identifiers: Orphanet 276152, MedGen C1970712, MONDO:0012552, OMIM 610755.

Submission:

Labcorp Genetics (formerly Invitae), Labcorp
Classification: Uncertain significance for Multiple endocrine neoplasia type 4. Last evaluated: 2024-10-31. Review status: criteria provided, single submitter. Criteria: Invitae Variant Classification Sherloc (09022015). Collection method: clinical testing. Allele origin: germline.
Comment: This sequence change replaces asparagine, which is neutral and polar, with histidine, which is basic and polar, at codon 3 of the CDKN1B protein (p.Asn3His). This variant is not present in population databases (gnomAD no frequency). This variant has not been reported in the literature in individuals affected with CDKN1B-related conditions. An algorithm developed to predict the effect of missense changes on protein structure and function (PolyPhen-2) suggests that this variant is likely to be disruptive. In summary, the available evidence is currently insufficient to determine the role of this variant in disease. Therefore, it has been classified as a Variant of Uncertain Significance.

NM_004064.5(CDKN1B):c.7A>C (p.Asn3His)

Gene: CDKN1B (cyclin dependent kinase inhibitor 1B; plus strand). Cytogenetic location: 12p13.1.
Variant type: single nucleotide variant.
Coding change: c.7A>C on transcript NM_004064.5 (MANE Select); coding-DNA position 7, A replaced by C.
Protein change: p.Asn3His; replaces asparagine 3 with histidine.
Molecular consequence: missense variant.
Genome position (GRCh38, 1-based): chr12:12,717,846, A>C. VCF-style: chr12-12717846-A-C. GRCh37 (hg19) VCF-style: chr12-12870780-A-C.
Other names: short protein forms N3H.
Identifiers: ClinVar variation 3709690 (VCV003709690.2).